The following is an entry in ClinVar:

NM_014324.6(AMACR):c.203G>T (p.Arg68Leu)

Genes: AMACR (alpha-methylacyl-CoA racemase; minus strand), C1QTNF3-AMACR (C1QTNF3-AMACR readthrough (NMD candidate); minus strand). Cytogenetic location: 5p13.2.
Variant type: single nucleotide variant.
Coding change: c.203G>T on transcript NM_014324.6 (MANE Select); coding-DNA position 203, G replaced by T.
Protein change: p.Arg68Leu; replaces arginine 68 with leucine.
Molecular consequence: missense variant.
Genome position (GRCh38, 1-based): chr5:34,007,817, C>A on the plus strand (G>T on the coding strand, the complement: AMACR is on the minus strand). VCF-style: chr5-34007817-C-A. GRCh37 (hg19) VCF-style: chr5-34007922-C-A.
Other names: c.203G>T (NM_014324.5); c.203G>T, p.Arg68Leu (NM_001167595.2, NM_203382.3); short protein forms R68L.
Identifiers: ClinVar variation 1438905 (VCV001438905.9), dbSNP rs2112077728, ClinGen allele CA359384988.
Genomic context (GRCh38, chr5:34,007,817, plus strand): 5'-CGGGGCCCGGGCTCACCGCGGCGGAAGGGCTCCAGCAGCACATCCGACCGCTTGCACAGA[C>A]GCCGCAGCACGGCGGCTCCCCGCGGCTGCTTCAGGTCCAGCACTAGCGAGCGCTTGCCCC-3'
Protein context (NP_055139.4, residues 58-78): KQPRGAAVLR[Arg68Leu]LCKRSDVLLE

ClinVar aggregate classification (germline): Uncertain significance. Review status: criteria provided, multiple submitters, no conflicts (2 of 4 stars). 2 submissions from 2 submitters: Uncertain significance (2). Last evaluated 2025-01-24.

Conditions:
Alpha-methylacyl-CoA racemase deficiency (AMACRD). Also called: AMACR deficiency. Identifiers: Orphanet 79095, MedGen C3280428, MONDO:0013681, OMIM 614307. Disease mechanism: loss of function.
Inborn genetic diseases. Identifiers: MedGen C0950123, MeSH D030342.

Submissions (2):

Ambry Genetics
Classification: Uncertain significance for Inborn genetic diseases. Last evaluated: 2025-01-24. Review status: criteria provided, single submitter. Criteria: Ambry Variant Classification Scheme 2023. Collection method: clinical testing. Allele origin: germline.

Labcorp Genetics (formerly Invitae), Labcorp
Classification: Uncertain significance for Alpha-methylacyl-CoA racemase deficiency. Last evaluated: 2021-04-17. Review status: criteria provided, single submitter. Criteria: Invitae Variant Classification Sherloc (09022015). Collection method: clinical testing. Allele origin: germline.
Comment: In summary, the available evidence is currently insufficient to determine the role of this variant in disease. Therefore, it has been classified as a Variant of Uncertain Significance. Algorithms developed to predict the effect of missense changes on protein structure and function are either unavailable or do not agree on the potential impact of this missense change (SIFT: "Tolerated"; PolyPhen-2: "Possibly Damaging"; Align-GVGD: "Class C0"). This variant has not been reported in the literature in individuals with AMACR-related conditions. The frequency data for this variant in the population databases is considered unreliable, as metrics indicate insufficient coverage at this position in the ExAC database. This sequence change replaces arginine with leucine at codon 68 of the AMACR protein (p.Arg68Leu). The arginine residue is moderately conserved and there is a moderate physicochemical difference between arginine and leucine.